The following is an entry in ClinVar:

NM_012186.3(FOXE3):c.273C>T (p.Arg91=)

Genes: LINC01389 (long independently transcribed non-coding RNA 1389; minus strand), FOXE3 (forkhead box E3; plus strand). Cytogenetic location: 1p33.
Variant type: single nucleotide variant.
Coding change: c.273C>T on transcript NM_012186.3 (MANE Select); coding-DNA position 273, C replaced by T.
Protein change: p.Arg91=; no amino-acid change (arginine 91 retained).
Molecular consequence: synonymous variant.
Genome position (GRCh38, 1-based): chr1:47,416,588, C>T. VCF-style: chr1-47416588-C-T. GRCh37 (hg19) VCF-style: chr1-47882260-C-T.
Identifiers: ClinVar variation 2928673 (VCV002928673.3), dbSNP rs2521317088, ClinGen allele CA417892017.

ClinVar aggregate classification (germline): Uncertain significance (1 of 4 stars; one submission).

Conditions:
Anterior segment dysgenesis. Also called: Ocular anterior segment dysgenesis. Identifiers: Orphanet 88632, MedGen C1862839, MONDO:0019503, HP:0007700.
Congenital primary aphakia. Also called: Anterior segment dysgenesis 2, multiple subtypes; ANTERIOR SEGMENT DYSGENESIS 2. Identifiers: Orphanet 83461, MedGen C1853230, MONDO:0012456, OMIM 610256.

Allele frequency attached by ClinVar (database versions not stated): gnomAD exomes below 0.00001.

Submission:

Labcorp Genetics (formerly Invitae), Labcorp
Classification: Uncertain significance for Anterior segment dysgenesis; Congenital primary aphakia. Last evaluated: 2023-11-28. Review status: criteria provided, single submitter. Criteria: Invitae Variant Classification Sherloc (09022015). Collection method: clinical testing. Allele origin: germline.
Comment: This sequence change affects codon 91 of the FOXE3 mRNA. It is a 'silent' change, meaning that it does not change the encoded amino acid sequence of the FOXE3 protein. This variant is not present in population databases (gnomAD no frequency). This variant has not been reported in the literature in individuals affected with FOXE3-related conditions. In summary, the available evidence is currently insufficient to determine the role of this variant in disease. Therefore, it has been classified as a Variant of Uncertain Significance.